The following is an entry in ClinVar:

NM_006269.2(RP1):c.4022C>G (p.Thr1341Ser)

Gene: RP1 (RP1 axonemal microtubule associated; plus strand). Cytogenetic location: 8q12.1.
Variant type: single nucleotide variant.
Coding change: c.4022C>G on transcript NM_006269.2 (MANE Select); coding-DNA position 4022, C replaced by G.
Protein change: p.Thr1341Ser; replaces threonine 1341 with serine.
Molecular consequence: missense variant. On other transcripts: intron variant (1).
Genome position (GRCh38, 1-based): chr8:54,627,904, C>G. VCF-style: chr8-54627904-C-G. GRCh37 (hg19) VCF-style: chr8-55540464-C-G.
Other names: c.787+5616C>G (NM_001375654.1); short protein forms T1341S.
Identifiers: ClinVar variation 1063212 (VCV001063212.9), dbSNP rs927533981, ClinGen allele CA177181066.
Genomic context (GRCh38, chr8:54,627,904, plus strand): 5'-ATACCTATGAGGGAGCTTGCCCAATTGATGAGACCTACGTTCCTGTCAATGTCTGCAATA[C>G]CATTGACTTTTTAAACTCCAAAGAAAACACATATACTGATAACTTGGATTCAACTGAAGA-3'
Protein context (NP_006260.1, residues 1331-1351): ETYVPVNVCN[Thr1341Ser]IDFLNSKENT

ClinVar aggregate classification (germline): Uncertain significance (1 of 4 stars; one submission).

Allele frequency attached by ClinVar (database versions not stated): gnomAD exomes below 0.00001; gnomAD 0.00002; TOPMed 0.00004.
gnomAD v4.1: 4 of 1,613,956 alleles (0.00025%); highest among the groups gnomAD compares: African/African-American, 0.0053%; no homozygotes.

Submission:

Labcorp Genetics (formerly Invitae), Labcorp
Classification: Uncertain significance. Last evaluated: 2025-12-23. Review status: criteria provided, single submitter. Criteria: Invitae Variant Classification Sherloc (09022015). Collection method: clinical testing. Allele origin: germline.
Comment: This sequence change replaces threonine, which is neutral and polar, with serine, which is neutral and polar, at codon 1341 of the RP1 protein (p.Thr1341Ser). This variant is present in population databases (no rsID available, gnomAD 0.01%). This variant has not been reported in the literature in individuals affected with RP1-related conditions. ClinVar contains an entry for this variant (Variation ID: 1063212). An algorithm developed to predict the effect of missense changes on protein structure and function outputs the following: PolyPhen-2: "Benign". The serine amino acid residue is found in multiple mammalian species, which suggests that this missense change does not adversely affect protein function. In summary, the available evidence is currently insufficient to determine the role of this variant in disease. Therefore, it has been classified as a Variant of Uncertain Significance.